The following is an entry in ClinVar:

ClinVar aggregate classification (germline): Uncertain significance (1 of 4 stars; one submission).

gnomAD v4.1: 10 of 1,613,200 alleles (0.00062%); highest among the groups gnomAD compares: East Asian, 0.0022%; no homozygotes.

Submission:

Labcorp Genetics (formerly Invitae), Labcorp
Classification: Uncertain significance. Last evaluated: 2021-12-02. Review status: criteria provided, single submitter. Criteria: Invitae Variant Classification Sherloc (09022015). Collection method: clinical testing. Allele origin: germline.
Comment: This variant has not been reported in the literature in individuals affected with LONP1-related conditions. Variants that disrupt the consensus splice site are a relatively common cause of aberrant splicing (PMID: 17576681, 9536098). Algorithms developed to predict the effect of sequence changes on RNA splicing suggest that this variant may disrupt the consensus splice site. In summary, the available evidence is currently insufficient to determine the role of this variant in disease. Therefore, it has been classified as a Variant of Uncertain Significance. This variant is present in population databases (rs371793819, gnomAD 0.003%). This sequence change falls in intron 12 of the LONP1 gene. It does not directly change the encoded amino acid sequence of the LONP1 protein. It affects a nucleotide within the consensus splice site.

Literature cited by the submitters: PubMed 17576681; PubMed 9536098.

NM_004793.4(LONP1):c.1896+3G>C

Gene: LONP1 (lon peptidase 1, mitochondrial; minus strand). Cytogenetic location: 19p13.3.
Variant type: single nucleotide variant.
Coding change: c.1896+3G>C on transcript NM_004793.4 (MANE Select); 3 bases into the intron after coding-DNA position 1896, G replaced by C.
Molecular consequence: intron variant.
Genome position (GRCh38, 1-based): chr19:5,696,246, C>G on the plus strand (G>C on the coding strand, the complement: LONP1 is on the minus strand). VCF-style: chr19-5696246-C-G. GRCh37 (hg19) VCF-style: chr19-5696257-C-G.
Other names: c.1308+3G>C (NM_001276480.1); c.1704+3G>C (NM_001276479.2).
Identifiers: ClinVar variation 1406165 (VCV001406165.6), dbSNP rs371793819, ClinGen allele CA9114443.
Genomic context (GRCh38, chr19:5,696,246, plus strand): 5'-AGGTGCTGGGGGACTGGCCGCTTACCCTCCCCAGCAAGCCCAGGCCCCAGACAGGCCCCC[C>G]ACCTTGGACAAGTCCACGGGCACGTCCAGGTAGTGGTCCAGGAAGTTGGCATTCTGCTCT-3'